The following is an entry in ClinVar:

NM_014679.5(CEP57):c.1151T>G (p.Leu384Arg)

Gene: CEP57 (centrosomal protein 57; plus strand). Cytogenetic location: 11q21.
Variant type: single nucleotide variant.
Coding change: c.1151T>G on transcript NM_014679.5 (MANE Select); coding-DNA position 1151, T replaced by G.
Protein change: p.Leu384Arg; replaces leucine 384 with arginine.
Molecular consequence: missense variant.
Genome position (GRCh38, 1-based): chr11:95,829,210, T>G. VCF-style: chr11-95829210-T-G. GRCh37 (hg19) VCF-style: chr11-95562374-T-G.
Other names: c.956T>G, p.Leu319Arg (NM_001440876.1); c.953T>G, p.Leu318Arg (NM_001440877.1, NM_001440878.1); c.926T>G, p.Leu309Arg (NM_001440879.1); c.890T>G, p.Leu297Arg (NM_001440880.1); c.854T>G, p.Leu285Arg (NM_001440881.1); c.848T>G, p.Leu283Arg (NM_001440882.1); c.1124T>G, p.Leu375Arg (NM_001243776.2); c.1073T>G, p.Leu358Arg (NM_001243777.2); and 6 more; short protein forms L297R, L322R, L357R, L384R, L285R, L345R, L309R, L318R.
Identifiers: ClinVar variation 5034386 (VCV005034386.1).

ClinVar aggregate classification (germline): Uncertain significance (1 of 4 stars; one submission).

Conditions:
Inborn genetic diseases. Identifiers: MedGen C0950123, MeSH D030342.

Submission:

Ambry Genetics
Classification: Uncertain significance for Inborn genetic diseases. Last evaluated: 2026-08-23. Review status: criteria provided, single submitter. Criteria: Ambry Variant Classification Scheme 2023. Collection method: clinical testing. Allele origin: germline.
Comment: The p.L384R variant (also known as c.1151T>G), located in coding exon 10 of the CEP57 gene, results from a T to G substitution at nucleotide position 1151. The leucine at codon 384 is replaced by arginine, an amino acid with dissimilar properties. This amino acid position is conserved. In addition, the in silico prediction for this alteration is inconclusive. Based on the available evidence, the clinical significance of this variant remains unclear.